The following is an entry in ClinVar:

NM_000719.7(CACNA1C):c.3303T>C (p.Val1101=)

Gene: CACNA1C (calcium voltage-gated channel subunit alpha1 C; plus strand). Cytogenetic location: 12p13.33.
Variant type: single nucleotide variant.
Coding change: c.3303T>C on transcript NM_000719.7 (MANE Select); coding-DNA position 3303, T replaced by C.
Protein change: p.Val1101=; no amino-acid change (valine 1101 retained).
Molecular consequence: synonymous variant.
Genome position (GRCh38, 1-based): chr12:2,607,077, T>C. VCF-style: chr12-2607077-T-C. GRCh37 (hg19) VCF-style: chr12-2716243-T-C.
Other names: c.3363T>C, p.Val1121= (NM_001129827.2, NM_001129832.2, NM_199460.4); c.3303T>C, p.Val1101= (NM_001129829.2, NM_001129830.3, NM_001129831.2 and 15 more transcripts); c.3294T>C, p.Val1098= (NM_001129844.2).
Identifiers: ClinVar variation 701859 (VCV000701859.13), dbSNP rs760313875, ClinGen allele CA6389211.

ClinVar aggregate classification (germline): Likely benign. Review status: criteria provided, multiple submitters, no conflicts (2 of 4 stars). 3 submissions from 3 submitters: Likely benign (3). Last evaluated 2026-06-06.

Conditions:
CACNA1C-related disorder. Also called: CACNA1C-related condition; CACNA1C-related disorders. Identifiers: MedGen CN381092, MONDO:0700321.
Long QT syndrome (LQTS). Identifiers: MedGen C0023976, MeSH D008133, MONDO:0002442. Disease mechanism: loss of function. Inheritance: Various modes of inheritance.
Cardiovascular phenotype. Identifiers: MedGen CN230736.

Allele frequency attached by ClinVar (database versions not stated): gnomAD 0.00001; gnomAD exomes 0.00004 and 0.00007; TOPMed 0.00001; ExAC 0.00004.
gnomAD v4.1: 106 of 1,613,834 alleles (0.0066%); highest among the groups gnomAD compares: Non-Finnish European, 0.0087%; no homozygotes.

Submissions (3):

PreventionGenetics, part of Exact Sciences
Classification: Likely benign for CACNA1C-related condition. Last evaluated: 2026-06-06. Review status: criteria provided, single submitter. Criteria: ACMG Guidelines, 2015. Collection method: clinical testing. Allele origin: germline.
Comment: This variant is classified as likely benign based on ACMG/AMP sequence variant interpretation guidelines (Richards et al. 2015 PMID: 25741868, with internal and published modifications).

Labcorp Genetics (formerly Invitae), Labcorp
Classification: Likely benign for Long QT syndrome. Last evaluated: 2026-01-04. Review status: criteria provided, single submitter. Criteria: Invitae Variant Classification Sherloc (09022015). Collection method: clinical testing. Allele origin: germline.

Ambry Genetics
Classification: Likely benign for Cardiovascular phenotype. Last evaluated: 2019-05-30. Review status: criteria provided, single submitter. Criteria: Ambry Variant Classification Scheme 2023. Collection method: clinical testing. Allele origin: germline.